The following is an entry in ClinVar:

NM_172095.4(CATSPER2):c.1341C>A (p.Ser447=)

Gene: CATSPER2 (cation channel sperm associated 2; minus strand). Cytogenetic location: 15q15.3.
Variant type: single nucleotide variant.
Coding change: c.1341C>A on transcript NM_172095.4 (MANE Select); coding-DNA position 1341, C replaced by A.
Protein change: p.Ser447=; no amino-acid change (serine 447 retained).
Molecular consequence: synonymous variant. On other transcripts: non-coding transcript variant (1).
Genome position (GRCh38, 1-based): chr15:43,632,772, G>T on the plus strand (C>A on the coding strand, the complement: CATSPER2 is on the minus strand). VCF-style: chr15-43632772-G-T. GRCh37 (hg19) VCF-style: chr15-43924970-G-T.
Other names: c.1335C>A, p.Ser445= (NM_001282309.3); c.1353C>A, p.Ser451= (NM_001282310.2).
Identifiers: ClinVar variation 2645275 (VCV002645275.25), dbSNP rs140242525, ClinGen allele CA7528596.

ClinVar aggregate classification (germline): Likely benign. Review status: criteria provided, multiple submitters, no conflicts (2 of 4 stars). 2 submissions from 2 submitters: Likely benign (2). Last evaluated 2024-08-06.

Allele frequency attached by ClinVar (database versions not stated): ESP Exome Variant Server 0.00023; 1000 Genomes Project 0.00040.

Submissions (2):

Blueprint Genetics
Classification: Likely benign. Last evaluated: 2024-08-06. Review status: criteria provided, single submitter. Criteria: ACMG Guidelines, 2015. Collection method: clinical testing. Allele origin: germline.

CeGaT Center for Human Genetics Tuebingen
Classification: Likely benign. Last evaluated: 2022-08-01. Review status: criteria provided, single submitter. Criteria: CeGaT Center For Human Genetics Tuebingen Variant Classification Criteria Version 2. Collection method: clinical testing. Allele origin: germline. Affected: yes. Observed: 1 variant allele.
Comment: CATSPER2: BP4, BP7